The following is an entry in ClinVar:

ClinVar aggregate classification (germline): Pathogenic (1 of 4 stars; one submission).

Conditions:
Fanconi anemia (FA). Also called: Fanconi's anemia. Identifiers: Orphanet 84, MedGen C0015625, MeSH D005199, MONDO:0019391.

Submission:

Labcorp Genetics (formerly Invitae), Labcorp
Classification: Pathogenic for Fanconi anemia. Last evaluated: 2019-03-08. Review status: criteria provided, single submitter. Criteria: Invitae Variant Classification Sherloc (09022015). Collection method: clinical testing. Allele origin: germline.
Comment: For these reasons, this variant has been classified as Pathogenic. Loss-of-function variants in FANCM are known to be pathogenic (PMID: 29895858, 30075111). A similar deletion of exon 11 has not been reported in the literature in individuals with FANCM-related conditions. This variant is an out-of-frame deletion of the genomic region encompassing exon 11 of the FANCM gene. This is expected to create a premature translational stop signal and result in an absent or disrupted protein product.

Literature cited by the submitters: PubMed 29895858; PubMed 30075111.

NC_000014.9:g.(?_45166940)_(45167173_?)del

Gene: FANCM (FA complementation group M; plus strand). Cytogenetic location: 14q21.2.
Variant type: Deletion.
Identifiers: ClinVar variation 660693 (VCV000660693.6).